The following is an entry in ClinVar:

NM_198576.4(AGRN):c.3326C>T (p.Ala1109Val)

Gene: AGRN (agrin; plus strand). Cytogenetic location: 1p36.33.
Variant type: single nucleotide variant.
Coding change: c.3326C>T on transcript NM_198576.4 (MANE Select); coding-DNA position 3326, C replaced by T.
Protein change: p.Ala1109Val; replaces alanine 1109 with valine.
Molecular consequence: missense variant.
Genome position (GRCh38, 1-based): chr1:1,046,895, C>T. VCF-style: chr1-1046895-C-T. GRCh37 (hg19) VCF-style: chr1-982275-C-T.
Other names: c.3326C>T, p.Ala1109Val (NM_001305275.2); c.3011C>T, p.Ala1004Val (NM_001364727.2); short protein forms A1004V, A1109V.
Identifiers: ClinVar variation 2040922 (VCV002040922.3), dbSNP rs755792250, ClinGen allele CA509022.

ClinVar aggregate classification (germline): Uncertain significance (1 of 4 stars; one submission).

Conditions:
Congenital myasthenic syndrome 8. Also called: MYASTHENIC SYNDROME, CONGENITAL, DUE TO AGRIN DEFICIENCY; Myasthenic syndrome, congenital, 8, with pre- and postsynaptic defects. Identifiers: Orphanet 590, MedGen C3808739, MONDO:0014052, OMIM 615120.

Allele frequency attached by ClinVar (database versions not stated): ExAC 0.00005.
gnomAD v4.1: 12 of 1,583,552 alleles (0.00076%); highest among the groups gnomAD compares: East Asian, 0.0069%; no homozygotes.

Submission:

Labcorp Genetics (formerly Invitae), Labcorp
Classification: Uncertain significance for Congenital myasthenic syndrome 8. Last evaluated: 2022-03-01. Review status: criteria provided, single submitter. Criteria: Invitae Variant Classification Sherloc (09022015). Collection method: clinical testing. Allele origin: germline.
Comment: This variant has not been reported in the literature in individuals affected with AGRN-related conditions. The frequency data for this variant in the population databases is considered unreliable, as metrics indicate poor data quality at this position in the gnomAD database. This sequence change replaces alanine, which is neutral and non-polar, with valine, which is neutral and non-polar, at codon 1109 of the AGRN protein (p.Ala1109Val). Algorithms developed to predict the effect of missense changes on protein structure and function are either unavailable or do not agree on the potential impact of this missense change (SIFT: "Deleterious"; PolyPhen-2: "Possibly Damaging"; Align-GVGD: "Class C0"). In summary, the available evidence is currently insufficient to determine the role of this variant in disease. Therefore, it has been classified as a Variant of Uncertain Significance.